The following is an entry in ClinVar:

ClinVar aggregate classification (germline): Uncertain significance (1 of 4 stars; one submission).

Conditions:
Glycogen storage disease IXd (GSD9D). Also called: Muscle Phosphorylase Kinase Deficiency; GSD IXd. Identifiers: Orphanet 715, MedGen C1845151, MONDO:0010362, OMIM 300559.

Submission:

Labcorp Genetics (formerly Invitae), Labcorp
Classification: Uncertain significance for Glycogen storage disease IXd. Last evaluated: 2022-09-03. Review status: criteria provided, single submitter. Criteria: Invitae Variant Classification Sherloc (09022015). Collection method: clinical testing. Allele origin: germline.
Comment: This sequence change replaces glutamic acid, which is acidic and polar, with glycine, which is neutral and non-polar, at codon 838 of the PHKA1 protein (p.Glu838Gly). In summary, the available evidence is currently insufficient to determine the role of this variant in disease. Therefore, it has been classified as a Variant of Uncertain Significance. Algorithms developed to predict the effect of missense changes on protein structure and function are either unavailable or do not agree on the potential impact of this missense change (SIFT: "Deleterious"; PolyPhen-2: "Probably Damaging"; Align-GVGD: "Class C0"). This variant has not been reported in the literature in individuals affected with PHKA1-related conditions. This variant is not present in population databases (gnomAD no frequency).

NM_002637.4(PHKA1):c.2513A>G (p.Glu838Gly)

Gene: PHKA1 (phosphorylase kinase regulatory subunit alpha 1; minus strand). Cytogenetic location: Xq13.1.
Variant type: single nucleotide variant.
Coding change: c.2513A>G on transcript NM_002637.4 (MANE Select); coding-DNA position 2513, A replaced by G.
Protein change: p.Glu838Gly; replaces glutamic acid 838 with glycine.
Molecular consequence: missense variant.
Genome position (GRCh38, 1-based): chrX:72,611,041, T>C on the plus strand (A>G on the coding strand, the complement: PHKA1 is on the minus strand). VCF-style: chrX-72611041-T-C. GRCh37 (hg19) VCF-style: chrX-71830891-T-C.
Other names: c.2513A>G, p.Glu838Gly (NM_001122670.2); c.2336A>G, p.Glu779Gly (NM_001172436.2); short protein forms E838G, E779G.
Identifiers: ClinVar variation 2094709 (VCV002094709.4), dbSNP rs2522444743, ClinGen allele CA413590011.
Genomic context (GRCh38, chrX:72,611,041, plus strand): 5'-AAAGCACGCTTATTTAGATTTGGTATAAATTCAAGAATTTATAGTACCTCATCAAGTGCT[T>C]CCACTTTCTTCCTTAAGATCCCAGAAATGTATCGGATCAGGCCCCAGTGACGAATTTCTC-3'
Protein context (NP_002628.2, residues 828-848): YISGILRKKV[Glu838Gly]ALDEACTDLL